The following is an entry in ClinVar:

ClinVar aggregate classification (germline): Uncertain significance (1 of 4 stars; one submission).

Conditions:
Ehlers-Danlos syndrome, classic type, 1 (EDSCL1). Also called: EHLERS-DANLOS SYNDROME, GRAVIS TYPE; EHLERS-DANLOS SYNDROME, SEVERE CLASSIC TYPE; Ehlers-Danlos syndrome, type 1; Ehlers-Danlos Syndrome, Classic Type, COL5A1-Related; EDS I. Identifiers: MedGen C0268335, MONDO:0019567, OMIM 130000.

gnomAD v4.1: 6 of 1,614,108 alleles (0.00037%); highest among the groups gnomAD compares: South Asian, 0.0011%; no homozygotes.

Submission:

Labcorp Genetics (formerly Invitae), Labcorp
Classification: Uncertain significance for Ehlers-Danlos syndrome, classic type, 1. Last evaluated: 2024-05-21. Review status: criteria provided, single submitter. Criteria: Invitae Variant Classification Sherloc (09022015). Collection method: clinical testing. Allele origin: germline.
Comment: This sequence change replaces alanine, which is neutral and non-polar, with serine, which is neutral and polar, at codon 1097 of the COL5A2 protein (p.Ala1097Ser). This variant is present in population databases (no rsID available, gnomAD 0.006%). This variant has not been reported in the literature in individuals affected with COL5A2-related conditions. Advanced modeling of protein sequence and biophysical properties (such as structural, functional, and spatial information, amino acid conservation, physicochemical variation, residue mobility, and thermodynamic stability) performed at Invitae indicates that this missense variant is not expected to disrupt COL5A2 protein function with a negative predictive value of 80%. In summary, the available evidence is currently insufficient to determine the role of this variant in disease. Therefore, it has been classified as a Variant of Uncertain Significance.

NM_000393.5(COL5A2):c.3289G>T (p.Ala1097Ser)

Gene: COL5A2 (collagen type V alpha 2 chain; minus strand). Cytogenetic location: 2q32.2.
Variant type: single nucleotide variant.
Coding change: c.3289G>T on transcript NM_000393.5 (MANE Select); coding-DNA position 3289, G replaced by T.
Protein change: p.Ala1097Ser; replaces alanine 1097 with serine.
Molecular consequence: missense variant.
Genome position (GRCh38, 1-based): chr2:189,045,820, C>A on the plus strand (G>T on the coding strand, the complement: COL5A2 is on the minus strand). VCF-style: chr2-189045820-C-A. GRCh37 (hg19) VCF-style: chr2-189910546-C-A.
Other names: short protein forms A1097S.
Identifiers: ClinVar variation 3653976 (VCV003653976.2).